The following is an entry in ClinVar:

NM_030958.3(SLCO5A1):c.322T>C (p.Ser108Pro)

Gene: SLCO5A1 (solute carrier organic anion transporter family member 5A1; minus strand). Cytogenetic location: 8q13.3.
Variant type: single nucleotide variant.
Coding change: c.322T>C on transcript NM_030958.3 (MANE Select); coding-DNA position 322, T replaced by C.
Protein change: p.Ser108Pro; replaces serine 108 with proline.
Molecular consequence: missense variant.
Genome position (GRCh38, 1-based): chr8:69,832,352, A>G on the plus strand (T>C on the coding strand, the complement: SLCO5A1 is on the minus strand). VCF-style: chr8-69832352-A-G. GRCh37 (hg19) VCF-style: chr8-70744587-A-G.
Other names: c.322T>C, p.Ser108Pro (NM_001146008.2, NM_001146009.1); short protein forms S108P.
Identifiers: ClinVar variation 1930876 (VCV001930876.5), dbSNP rs762202324, ClinGen allele CA4776827.
Genomic context (GRCh38, chr8:69,832,352, plus strand): 5'-GGGAATCCGTGAGGACCACGTAGAGGCACCTTCTCTCCTGGAGCATGGCCAAGGCGGAGG[A>G]CACCGAGAAGGTTTTGCTGAGGTCCACCCTGTGGTTACAGTCCCCGAGCCCCGCCGAAGT-3'
Protein context (NP_112220.2, residues 98-118): RVDLSKTFSV[Ser108Pro]SALAMLQERR

ClinVar aggregate classification (germline): Uncertain significance (1 of 4 stars; one submission).

Allele frequency attached by ClinVar (database versions not stated): ExAC 0.00001; gnomAD 0.00001; gnomAD exomes 0.00001; TOPMed 0.00001.
gnomAD v4.1: 5 of 1,613,108 alleles (0.00031%); highest among the groups gnomAD compares: Admixed American, 0.0084%; no homozygotes.

Submission:

Labcorp Genetics (formerly Invitae), Labcorp
Classification: Uncertain significance. Last evaluated: 2022-01-15. Review status: criteria provided, single submitter. Criteria: Invitae Variant Classification Sherloc (09022015). Collection method: clinical testing. Allele origin: germline.
Comment: This variant is present in population databases (rs762202324, gnomAD 0.01%). This sequence change replaces serine, which is neutral and polar, with proline, which is neutral and non-polar, at codon 108 of the SLCO5A1 protein (p.Ser108Pro). This variant has not been reported in the literature in individuals affected with SLCO5A1-related conditions. Algorithms developed to predict the effect of missense changes on protein structure and function are either unavailable or do not agree on the potential impact of this missense change (SIFT: "Deleterious"; PolyPhen-2: "Possibly Damaging"; Align-GVGD: "Class C0"). In summary, the available evidence is currently insufficient to determine the role of this variant in disease. Therefore, it has been classified as a Variant of Uncertain Significance.